The following is an entry in ClinVar:

ClinVar aggregate classification (germline): Pathogenic/Likely pathogenic. Review status: criteria provided, multiple submitters, no conflicts (2 of 4 stars). 2 submissions from 2 submitters: Pathogenic (1); Likely pathogenic (1). Last evaluated 2025-03-12.

Submissions (2):

Labcorp Genetics (formerly Invitae), Labcorp
Classification: Pathogenic. Last evaluated: 2025-03-12. Review status: criteria provided, single submitter. Criteria: Invitae Variant Classification Sherloc (09022015). Collection method: clinical testing. Allele origin: germline.
Comment: This sequence change creates a premature translational stop signal (p.Gln706Hisfs*10) in the PHEX gene. While this is not anticipated to result in nonsense mediated decay, it is expected to disrupt the last 44 amino acid(s) of the PHEX protein. This variant is not present in population databases (gnomAD no frequency). This premature translational stop signal has been observed in individual(s) with PHEX-related conditions (internal data). ClinVar contains an entry for this variant (Variation ID: 423633). This variant disrupts a region of the PHEX protein in which other variant(s) (p.Arg747*) have been determined to be pathogenic (PMID: 9199930, 9768674). This suggests that this is a clinically significant region of the protein, and that variants that disrupt it are likely to be disease-causing. For these reasons, this variant has been classified as Pathogenic.

GeneDx
Classification: Likely pathogenic. Last evaluated: 2017-02-09. Review status: criteria provided, single submitter. Criteria: GeneDx Variant Classification (06012015). Collection method: clinical testing. Allele origin: germline. Affected: yes.
Comment: The c.2118_2119delAA variant in the PHEX gene causes a frameshift starting with codon Glutamine 706, changes this amino acid to a Histidine residue and creates a premature Stop codon at position 10 of the new reading frame, denoted p.Gln706HisfsX10. This variant is predicted to cause loss of normal protein function through protein truncation. The c.2118_2119delAA variant is not observed in large population cohorts (Lek et al., 2016; 1000 Genomes Consortium et al., 2015; Exome Variant Server).

Literature cited by the submitters: PubMed 9199930 (cited by Labcorp Genetics (formerly Invitae), Labcorp); PubMed 9768674 (cited by Labcorp Genetics (formerly Invitae), Labcorp).

NM_000444.6(PHEX):c.2118_2119del (p.Gln706fs)

Genes: PHEX (phosphate regulating endopeptidase X-linked; plus strand), PTCHD1-AS (PTCHD1 and PHEX antisense RNA; minus strand). Cytogenetic location: Xp22.11.
Variant type: Deletion.
Coding change: c.2118_2119del on transcript NM_000444.6 (MANE Select); coding-DNA positions 2118 to 2119, 2 bases deleted (AA; older notation c.2118_2119delAA).
Protein change: p.Gln706fs; shifts the reading frame from glutamine 706.
Molecular consequence: frameshift variant. On other transcripts: intron variant (1).
Genome position (GRCh38, 1-based): chrX:22,245,380-22,245,381, AA deleted; deleting any 2 consecutive bases within chrX:22,245,379-22,245,381 gives the same sequence; the c. name uses the placement nearest the transcript's 3' end. VCF-style (leftmost placement, unchanged base first): chrX-22245378-CAA-C. GRCh37 (hg19) VCF-style: chrX-22263495-CAA-C.
Other names: c.2071-2471_2071-2470del (NM_001282754.2); short protein forms Q706fs.
Identifiers: ClinVar variation 423633 (VCV000423633.10), dbSNP rs1064796540, ClinGen allele CA16621341.